The following is an entry in ClinVar:

ClinVar aggregate classification (germline): Likely benign. Review status: criteria provided, multiple submitters, no conflicts (2 of 4 stars). 2 submissions from 2 submitters: Likely benign (2). Last evaluated 2023-04-09.

Conditions:
Long QT syndrome (LQTS). Identifiers: MedGen C0023976, MeSH D008133, MONDO:0002442. Disease mechanism: loss of function. Inheritance: Various modes of inheritance.

Submissions (2):

Labcorp Genetics (formerly Invitae), Labcorp
Classification: Likely benign for Long QT syndrome. Last evaluated: 2023-04-09. Review status: criteria provided, single submitter. Criteria: Invitae Variant Classification Sherloc (09022015). Collection method: clinical testing. Allele origin: germline.

GeneDx
Classification: Likely benign. Last evaluated: 2016-08-29. Review status: criteria provided, single submitter. Criteria: GeneDx Variant Classification (06012015). Collection method: clinical testing. Allele origin: germline. Affected: yes.
Comment: This variant is considered likely benign or benign based on one or more of the following criteria: it is a conservative change, it occurs at a poorly conserved position in the protein, it is predicted to be benign by multiple in silico algorithms, and/or has population frequency not consistent with disease.

NM_000238.4(KCNH2):c.3097C>A (p.Arg1033=)

Gene: KCNH2 (potassium voltage-gated channel subfamily H member 2; minus strand). Cytogenetic location: 7q36.1.
Variant type: single nucleotide variant.
Coding change: c.3097C>A on transcript NM_000238.4 (MANE Select); coding-DNA position 3097, C replaced by A.
Protein change: p.Arg1033=; no amino-acid change (arginine 1033 retained).
Molecular consequence: synonymous variant.
Genome position (GRCh38, 1-based): chr7:150,947,383, G>T on the plus strand (C>A on the coding strand, the complement: KCNH2 is on the minus strand). VCF-style: chr7-150947383-G-T. GRCh37 (hg19) VCF-style: chr7-150644471-G-T.
Other names: c.2077C>A, p.Arg693= (NM_172057.3).
Identifiers: ClinVar variation 387430 (VCV000387430.4), dbSNP rs199473021, ClinGen allele CA16605265.